The following is an entry in ClinVar:

ClinVar aggregate classification (germline): Pathogenic (1 of 4 stars; one submission).

Submission:

Labcorp Genetics (formerly Invitae), Labcorp
Classification: Pathogenic. Last evaluated: 2022-10-24. Review status: criteria provided, single submitter. Criteria: Invitae Variant Classification Sherloc (09022015). Collection method: clinical testing. Allele origin: germline.
Comment: For these reasons, this variant has been classified as Pathogenic. ClinVar contains an entry for this variant (Variation ID: 1374074). This variant has not been reported in the literature in individuals affected with POLR3A-related conditions. This variant is not present in population databases (gnomAD no frequency). This sequence change creates a premature translational stop signal (p.Arg760Profs*9) in the POLR3A gene. It is expected to result in an absent or disrupted protein product. Loss-of-function variants in POLR3A are known to be pathogenic (PMID: 21855841, 25339210, 27612211, 30414627, 30450527).

Literature cited by the submitters: PubMed 21855841; PubMed 25339210; PubMed 27612211; PubMed 30414627; PubMed 30450527.

NM_007055.4(POLR3A):c.2257_2278dup (p.Arg760fs)

Gene: POLR3A (RNA polymerase III subunit A; minus strand). Cytogenetic location: 10q22.3.
Variant type: Duplication.
Coding change: c.2257_2278dup on transcript NM_007055.4 (MANE Select); coding-DNA positions 2257 to 2278, 22 bases duplicated (CTGAAGGAGCTGTCTGTGATCC).
Protein change: p.Arg760fs; shifts the reading frame from arginine 760.
Molecular consequence: frameshift variant.
Genome position (GRCh38, 1-based): chr10:78,002,278-78,002,299, GGATCACAGACAGCTCCTTCAG duplicated on the plus strand (CTGAAGGAGCTGTCTGTGATCC on the coding strand, the reverse complement: POLR3A is on the minus strand); duplicating any 22 consecutive bases within chr10:78,002,278-78,002,300 gives the same sequence; the c. name uses the placement nearest the transcript's 3' end. VCF-style (leftmost placement, unchanged base first): chr10-78002277-C-CGGATCACAGACAGCTCCTTCAG. GRCh37 (hg19) VCF-style: chr10-79762035-C-CGGATCACAGACAGCTCCTTCAG.
Other names: short protein forms R760fs.
Identifiers: ClinVar variation 1374074 (VCV001374074.6), dbSNP rs2131943863, ClinGen allele CA2573145778.